The following is an entry in ClinVar:

ClinVar aggregate classification (germline): Uncertain significance (1 of 4 stars; one submission).

Conditions:
Short QT syndrome type 3. Identifiers: Orphanet 51083, MedGen C1865018, MONDO:0012314, OMIM 609622.
Andersen Tawil syndrome (LQT7). Also called: ANDERSEN CARDIODYSRHYTHMIC PERIODIC PARALYSIS; Andersen Syndrome; PERIODIC PARALYSIS, POTASSIUM-SENSITIVE CARDIODYSRHYTHMIC TYPE; LONG QT SYNDROME 7; Potassium-sensitive periodic paralysis, ventricular ectopy, and dysmorphic features. Identifiers: Orphanet 37553, MedGen C1563715, MONDO:0008222, OMIM 170390.

Allele frequency attached by ClinVar (database versions not stated): TOPMed below 0.00001.

Submission:

Labcorp Genetics (formerly Invitae), Labcorp
Classification: Uncertain significance for Short QT syndrome type 3; Andersen Tawil syndrome. Last evaluated: 2021-08-03. Review status: criteria provided, single submitter. Criteria: Invitae Variant Classification Sherloc (09022015). Collection method: clinical testing. Allele origin: germline.
Comment: This variant has not been reported in the literature in individuals affected with KCNJ2-related conditions. This sequence change replaces serine with cysteine at codon 413 of the KCNJ2 protein (p.Ser413Cys). The serine residue is moderately conserved and there is a moderate physicochemical difference between serine and cysteine. This variant is not present in population databases (ExAC no frequency). Algorithms developed to predict the effect of missense changes on protein structure and function are either unavailable or do not agree on the potential impact of this missense change (SIFT: "Deleterious"; PolyPhen-2: "Benign"; Align-GVGD: "Class C0"). In summary, the available evidence is currently insufficient to determine the role of this variant in disease. Therefore, it has been classified as a Variant of Uncertain Significance.

NM_000891.3(KCNJ2):c.1237A>T (p.Ser413Cys)

Gene: KCNJ2 (potassium inwardly rectifying channel subfamily J member 2; plus strand). Cytogenetic location: 17q24.3.
Variant type: single nucleotide variant.
Coding change: c.1237A>T on transcript NM_000891.3 (MANE Select); coding-DNA position 1237, A replaced by T.
Protein change: p.Ser413Cys; replaces serine 413 with cysteine.
Molecular consequence: missense variant.
Genome position (GRCh38, 1-based): chr17:70,176,276, A>T. VCF-style: chr17-70176276-A-T. GRCh37 (hg19) VCF-style: chr17-68172417-A-T.
Other names: short protein forms S413C.
Identifiers: ClinVar variation 1392364 (VCV001392364.6), dbSNP rs910587867, ClinGen allele CA293702935.